The following is an entry in ClinVar:

NM_005732.4(RAD50):c.466T>A (p.Phe156Ile)

Gene: RAD50 (RAD50 double strand break repair protein; plus strand). Cytogenetic location: 5q31.1.
Variant type: single nucleotide variant.
Coding change: c.466T>A on transcript NM_005732.4 (MANE Select); coding-DNA position 466, T replaced by A.
Protein change: p.Phe156Ile; replaces phenylalanine 156 with isoleucine.
Molecular consequence: missense variant.
Genome position (GRCh38, 1-based): chr5:132,579,417, T>A. VCF-style: chr5-132579417-T-A. GRCh37 (hg19) VCF-style: chr5-131915109-T-A.
Other names: short protein forms F156I.
Identifiers: ClinVar variation 3429495 (VCV003429495.1).

ClinVar aggregate classification (germline): Uncertain significance (1 of 4 stars; one submission).

Conditions:
Hereditary cancer-predisposing syndrome. Also called: Neoplastic Syndromes, Hereditary; Tumor predisposition; Hereditary Cancer Syndrome; Hereditary neoplastic syndrome. Identifiers: Orphanet 140162, MedGen C0027672, MeSH D009386, MONDO:0015356.

Submission:

Ambry Genetics
Classification: Uncertain significance for Hereditary cancer-predisposing syndrome. Last evaluated: 2024-09-08. Review status: criteria provided, single submitter. Criteria: Ambry Variant Classification Scheme 2023. Collection method: clinical testing. Allele origin: germline.
Comment: The p.F156I variant (also known as c.466T>A), located in coding exon 4 of the RAD50 gene, results from a T to A substitution at nucleotide position 466. The phenylalanine at codon 156 is replaced by isoleucine, an amino acid with highly similar properties. This amino acid position is conserved. In addition, this alteration is predicted to be deleterious by in silico analysis. Based on the available evidence, the clinical significance of this variant remains unclear.